The following is an entry in ClinVar:

NM_001267550.2(TTN):c.25270C>T (p.Gln8424Ter)

Gene: TTN (titin; minus strand). Cytogenetic location: 2q31.2.
Variant type: single nucleotide variant.
Coding change: c.25270C>T on transcript NM_001267550.2 (MANE Select); coding-DNA position 25270, C replaced by T.
Protein change: p.Gln8424Ter; replaces glutamine 8424 with a stop codon.
Molecular consequence: nonsense. On other transcripts: intron variant (3).
Genome position (GRCh38, 1-based): chr2:178,717,604, G>A on the plus strand (C>T on the coding strand, the complement: TTN is on the minus strand). VCF-style: chr2-178717604-G-A. GRCh37 (hg19) VCF-style: chr2-179582331-G-A.
Other names: c.24319C>T, p.Gln8107Ter (NM_001256850.1); c.21538C>T, p.Gln7180Ter (NM_133378.4); c.13282+20478C>T (NM_003319.4); c.13858+20478C>T (NM_133437.4); c.13657+20478C>T (NM_133432.3); short protein forms Q7180*, Q8107*, Q8424*.
Identifiers: ClinVar variation 3755452 (VCV003755452.2).

ClinVar aggregate classification (germline): Likely pathogenic (1 of 4 stars; one submission).

Conditions:
Dilated cardiomyopathy 1G (CMD1G). Identifiers: Orphanet 154, MedGen C1858763, MONDO:0011400, OMIM 604145.
Autosomal recessive limb-girdle muscular dystrophy type 2J (LGMDR10). Also called: Limb-girdle muscular dystrophy, type 2J; MUSCULAR DYSTROPHY, LIMB-GIRDLE, AUTOSOMAL RECESSIVE 10. Identifiers: Orphanet 140922, MedGen C1837342, MONDO:0012127, OMIM 608807.

Submission:

Labcorp Genetics (formerly Invitae), Labcorp
Classification: Likely pathogenic for Dilated cardiomyopathy 1G; Autosomal recessive limb-girdle muscular dystrophy type 2J. Last evaluated: 2024-03-21. Review status: criteria provided, single submitter. Criteria: Invitae Variant Classification Sherloc (09022015). Collection method: clinical testing. Allele origin: germline.
Comment: This sequence change creates a premature translational stop signal (p.Gln8424*) in the TTN gene. While this is not anticipated to result in nonsense mediated decay, it is expected to create a truncated TTN protein. This variant is not present in population databases (gnomAD no frequency). This variant has not been reported in the literature in individuals affected with TTN-related conditions. This variant is located in the I band of TTN (PMID: 25589632). Truncating variants in this region have been reported in individuals affected with autosomal recessive centronuclear myopathy (PMID: 23975875, Invitae internal data). Truncating variants in this region have also been identified in individuals affected with autosomal dominant dilated cardiomyopathy and/or cardio-related conditions (PMID: 27869827, 32964742, Invitae internal data). In summary, the currently available evidence indicates that the variant is pathogenic, but additional data are needed to prove that conclusively. Therefore, this variant has been classified as Likely Pathogenic.

Literature cited by the submitters: PubMed 25589632; PubMed 23975875; PubMed 27869827; PubMed 32964742.